The following is an entry in ClinVar:

NM_015046.7(SETX):c.5488A>G (p.Ile1830Val)

Gene: SETX (senataxin; minus strand). Cytogenetic location: 9q34.13.
Variant type: single nucleotide variant.
Coding change: c.5488A>G on transcript NM_015046.7 (MANE Select); coding-DNA position 5488, A replaced by G.
Protein change: p.Ile1830Val; replaces isoleucine 1830 with valine.
Molecular consequence: missense variant.
Genome position (GRCh38, 1-based): chr9:132,300,690, T>C on the plus strand (A>G on the coding strand, the complement: SETX is on the minus strand). VCF-style: chr9-132300690-T-C. GRCh37 (hg19) VCF-style: chr9-135176077-T-C.
Other names: c.5488A>G, p.Ile1830Val (NM_001351527.2, NM_001351528.2); short protein forms I1830V.
Identifiers: ClinVar variation 2636159 (VCV002636159.1), dbSNP rs759555006, ClinGen allele CA5296974.

ClinVar aggregate classification (germline): Uncertain significance (1 of 4 stars; one submission).

Conditions:
SETX-related disorder. Also called: SETX-related condition; SETX-related disorders. Identifiers: MedGen CN239403.

Allele frequency attached by ClinVar (database versions not stated): ExAC 0.00004.
gnomAD v4.1: 65 of 1,613,614 alleles (0.004%); highest among the groups gnomAD compares: African/African-American, 0.0013%; no homozygotes.

Submission:

PreventionGenetics, part of Exact Sciences
Classification: Uncertain significance for SETX-related condition. Last evaluated: 2023-05-31. Review status: criteria provided, single submitter. Criteria: ACMG Guidelines, 2015. Collection method: clinical testing. Allele origin: germline.
Comment: The SETX c.5488A>G variant is predicted to result in the amino acid substitution p.Ile1830Val. To our knowledge, this variant has not been reported in the literature. This variant is reported in 0.064% of alleles in individuals of European (Finnish) descent in gnomAD. Although we suspect that this variant may be benign, at this time, the clinical significance of this variant is uncertain due to the absence of conclusive functional and genetic evidence.